The following is an entry in ClinVar:

ClinVar aggregate classification (germline): Uncertain significance. Review status: criteria provided, multiple submitters, no conflicts (2 of 4 stars). 2 submissions from 2 submitters: Uncertain significance (2). Last evaluated 2026-06-23.

Conditions:
TRIOBP-related disorder. Also called: TRIOBP-related condition.

Allele frequency attached by ClinVar (database versions not stated): gnomAD exomes 0.00005; ExAC 0.00006.

Submissions (2):

PreventionGenetics, part of Exact Sciences
Classification: Uncertain significance for TRIOBP-related condition. Last evaluated: 2026-06-23. Review status: criteria provided, single submitter. Criteria: ACMG Guidelines, 2015. Collection method: clinical testing. Allele origin: germline.
Comment: The TRIOBP c.2590C>T variant is predicted to result in the amino acid substitution p.Pro864Ser. This variant was reported in an individual with hearing loss without a second potentially causative variant in this gene (Liu et al. 2022. PubMed ID: 35114279). This variant is reported in 0.072% of alleles in individuals of East Asian descent in gnomAD. Although we suspect that this variant may be benign, at this time, the clinical significance of this variant is uncertain due to the absence of conclusive functional and genetic evidence.

Eurofins Ntd Llc (ga)
Classification: Uncertain significance. Last evaluated: 2016-08-03. Review status: criteria provided, single submitter. Criteria: EGL Classification Definitions 2015. Collection method: clinical testing. Allele origin: germline. Observed: 1 variant allele, 1 heterozygote.

NM_001039141.3(TRIOBP):c.2590C>T (p.Pro864Ser)

Gene: TRIOBP (TRIO and F-actin binding protein; plus strand). Cytogenetic location: 22q13.1.
Variant type: single nucleotide variant.
Coding change: c.2590C>T on transcript NM_001039141.3 (MANE Select); coding-DNA position 2590, C replaced by T.
Protein change: p.Pro864Ser; replaces proline 864 with serine.
Molecular consequence: missense variant.
Genome position (GRCh38, 1-based): chr22:37,725,146, C>T. VCF-style: chr22-37725146-C-T. GRCh37 (hg19) VCF-style: chr22-38121153-C-T.
Other names: c.2590C>T (NM_001039141.2); short protein forms P864S.
Identifiers: ClinVar variation 289392 (VCV000289392.6), dbSNP rs762514605, ClinGen allele CA10223918.